The following is an entry in ClinVar:

ClinVar aggregate classification (germline): Uncertain significance (1 of 4 stars; one submission).

Submission:

GeneDx
Classification: Uncertain significance. Last evaluated: 2023-05-30. Review status: criteria provided, single submitter. Criteria: GeneDx Variant Classification Process June 2021. Collection method: clinical testing. Allele origin: germline. Affected: yes.
Comment: Not observed at significant frequency in large population cohorts (gnomAD); In silico analysis supports that this missense variant has a deleterious effect on protein structure/function; Has not been previously published as pathogenic or benign to our knowledge

NM_001110556.2(FLNA):c.916G>T (p.Val306Leu)

Gene: FLNA (filamin A; minus strand). Cytogenetic location: Xq28.
Variant type: single nucleotide variant.
Coding change: c.916G>T on transcript NM_001110556.2 (MANE Select); coding-DNA position 916, G replaced by T.
Protein change: p.Val306Leu; replaces valine 306 with leucine.
Molecular consequence: missense variant.
Genome position (GRCh38, 1-based): chrX:154,366,803, C>A on the plus strand (G>T on the coding strand, the complement: FLNA is on the minus strand). VCF-style: chrX-154366803-C-A. GRCh37 (hg19) VCF-style: chrX-153595171-C-A.
Other names: c.916G>T, p.Val306Leu (NM_001456.4); short protein forms V306L.
Identifiers: ClinVar variation 3359384 (VCV003359384.1).